The following is an entry in ClinVar:

ClinVar aggregate classification (germline): Pathogenic/Likely pathogenic. Review status: criteria provided, multiple submitters, no conflicts (2 of 4 stars). 3 submissions from 3 submitters: Pathogenic (1); Likely pathogenic (2). Last evaluated 2025-09-16.

Conditions:
BCS1L-related disorder. Also called: BCS1L-related condition; BCS1L-related disorders. Identifiers: MedGen CN239240.
GRACILE syndrome (FLNMS). Also called: FELLMAN SYNDROME; FINNISH LETHAL NEONATAL METABOLIC SYNDROME. Identifiers: Orphanet 53693, MedGen C1864002, MONDO:0011308, OMIM 603358.

gnomAD v4.1: 2 of 1,614,214 alleles (0.00012%); highest among the groups gnomAD compares: Non-Finnish European, 0.000085%; no homozygotes.

Submissions (3):

Natera, Inc.
Classification: Likely pathogenic for GRACILE syndrome. Last evaluated: 2025-09-16. Review status: criteria provided, single submitter. Criteria: Natera Variant Classification Schema (03/2026). Collection method: clinical testing. Allele origin: germline.
Comment: The c.180T>G variant in BCS1L is a nonsense variant predicted to introduce a stop codon at amino acid 60. This variant is expected to result in nonsense mediated decay, truncation, or a dysfunctional protein product. This variant is rare in the general population with a frequency below the threshold expected for the associated phenotype(s). Given the available evidence, this variant is classified as Likely Pathogenic.

Blueprint Genetics
Classification: Likely pathogenic for BCS1L-related disorders. Last evaluated: 2024-04-18. Review status: criteria provided, single submitter. Criteria: ACMG Guidelines, 2015. Collection method: clinical testing. Allele origin: germline. Affected: yes. Observed: 1 variant allele.

Labcorp Genetics (formerly Invitae), Labcorp
Classification: Pathogenic. Last evaluated: 2024-02-23. Review status: criteria provided, single submitter. Criteria: Invitae Variant Classification Sherloc (09022015). Collection method: clinical testing. Allele origin: germline.
Comment: This sequence change creates a premature translational stop signal (p.Tyr60*) in the BCS1L gene. It is expected to result in an absent or disrupted protein product. Loss-of-function variants in BCS1L are known to be pathogenic (PMID: 12215968, 17314340, 19162478, 19508421, 22277166, 25895478). This variant is not present in population databases (gnomAD no frequency). This variant has not been reported in the literature in individuals affected with BCS1L-related conditions. Algorithms developed to predict the effect of sequence changes on RNA splicing suggest that this variant may disrupt the consensus splice site. For these reasons, this variant has been classified as Pathogenic.

Literature cited by the submitters: PubMed 12215968 (cited by Labcorp Genetics (formerly Invitae), Labcorp); PubMed 17314340 (cited by Labcorp Genetics (formerly Invitae), Labcorp); PubMed 19162478 (cited by Labcorp Genetics (formerly Invitae), Labcorp); PubMed 19508421 (cited by Labcorp Genetics (formerly Invitae), Labcorp); PubMed 22277166 (cited by Labcorp Genetics (formerly Invitae), Labcorp); PubMed 25895478 (cited by Labcorp Genetics (formerly Invitae), Labcorp).

NM_001079866.2(BCS1L):c.180T>G (p.Tyr60Ter)

Gene: BCS1L (BCS1 ubiquinol-cytochrome c reductase complex chaperone; plus strand). Cytogenetic location: 2q35.
Variant type: single nucleotide variant.
Coding change: c.180T>G on transcript NM_001079866.2 (MANE Select); coding-DNA position 180, T replaced by G.
Protein change: p.Tyr60Ter; replaces tyrosine 60 with a stop codon.
Molecular consequence: nonsense. On other transcripts: 5 prime UTR variant (5), non-coding transcript variant (1), intron variant (3).
Genome position (GRCh38, 1-based): chr2:218,661,167, T>G. VCF-style: chr2-218661167-T-G. GRCh37 (hg19) VCF-style: chr2-219525890-T-G.
Other names: c.180T>G, p.Tyr60Ter (NM_001257342.2, NM_001257343.2, NM_001257344.2 and 10 more transcripts); c.-297T>G (NM_001371453.1, NM_001371454.1, NM_001371455.1 and 2 more transcripts); c.-40-239T>G (NM_001371451.1, NM_001318836.2); c.-41-592T>G (NM_001371452.1); short protein forms Y60*.
Identifiers: ClinVar variation 3616593 (VCV003616593.4).